The following is an entry in ClinVar:

ClinVar aggregate classification (germline): Uncertain significance (1 of 4 stars; one submission).

Conditions:
Ataxia-telangiectasia syndrome (AT). Also called: LOUIS-BAR SYNDROME; Cerebello-oculocutaneous telangiectasia; Immunodeficiency with ataxia telangiectasia; Ataxia telangiectasia (A-T); Ataxia-telangiectasia, complementation group D; AT, COMPLEMENTATION GROUP C. Identifiers: Orphanet 100, MedGen C0004135, MONDO:0008840, OMIM 208900.

Submission:

Labcorp Genetics (formerly Invitae), Labcorp
Classification: Uncertain significance for Ataxia-telangiectasia syndrome. Last evaluated: 2024-04-30. Review status: criteria provided, single submitter. Criteria: Invitae Variant Classification Sherloc (09022015). Collection method: clinical testing. Allele origin: germline.
Comment: This sequence change replaces serine, which is neutral and polar, with arginine, which is basic and polar, at codon 2375 of the ATM protein (p.Ser2375Arg). This variant is not present in population databases (gnomAD no frequency). This variant has not been reported in the literature in individuals affected with ATM-related conditions. ClinVar contains an entry for this variant (Variation ID: 1472974). An algorithm developed to predict the effect of missense changes on protein structure and function (PolyPhen-2) suggests that this variant is likely to be tolerated. In summary, the available evidence is currently insufficient to determine the role of this variant in disease. Therefore, it has been classified as a Variant of Uncertain Significance.

NM_000051.4(ATM):c.7123A>C (p.Ser2375Arg)

Genes: ATM (ATM serine/threonine kinase; plus strand), C11orf65 (chromosome 11 open reading frame 65; minus strand). Cytogenetic location: 11q22.3.
Variant type: single nucleotide variant.
Coding change: c.7123A>C on transcript NM_000051.4 (MANE Select); coding-DNA position 7123, A replaced by C.
Protein change: p.Ser2375Arg; replaces serine 2375 with arginine.
Molecular consequence: missense variant. On other transcripts: intron variant (2).
Genome position (GRCh38, 1-based): chr11:108,329,054, A>C. VCF-style: chr11-108329054-A-C. GRCh37 (hg19) VCF-style: chr11-108199781-A-C.
Other names: c.641-19983T>G (NM_001330368.2); c.*38+6166T>G (NM_001351110.2); c.7123A>C, p.Ser2375Arg (NM_001351834.2); short protein forms S2375R.
Identifiers: ClinVar variation 1472974 (VCV001472974.7), dbSNP rs2085977071, ClinGen allele CA382559446.
Genomic context (GRCh38, chr11:108,329,054, plus strand): 5'-ATTTAAATTGGTTGTGTTTTCTTGAAGGCAGTAGAAGTTGCTGGAAATTATGATGGAGAA[A>C]GTAGTGATGAGCTAAGAAATGGAAAAATGAAGGCATTTCTCTCATTAGCCCGGTTTTCAG-3'
Protein context (NP_000042.3, residues 2365-2385): VEVAGNYDGE[Ser2375Arg]SDELRNGKMK